The following is an entry in ClinVar:

NM_177438.3(DICER1):c.4697T>C (p.Leu1566Pro)

Gene: DICER1 (dicer 1, ribonuclease III; minus strand). Cytogenetic location: 14q32.13.
Variant type: single nucleotide variant.
Coding change: c.4697T>C on transcript NM_177438.3 (MANE Select); coding-DNA position 4697, T replaced by C.
Protein change: p.Leu1566Pro; replaces leucine 1566 with proline.
Molecular consequence: missense variant. On other transcripts: non-coding transcript variant (6).
Genome position (GRCh38, 1-based): chr14:95,096,223, A>G on the plus strand (T>C on the coding strand, the complement: DICER1 is on the minus strand). VCF-style: chr14-95096223-A-G. GRCh37 (hg19) VCF-style: chr14-95562560-A-G.
Other names: NR_172720.1:n.5042T>C; c.4697T>C, p.Leu1566Pro (NM_001195573.1, NM_001271282.3, NM_001291628.2 and 13 more transcripts); c.4415T>C, p.Leu1472Pro (NM_001395686.1); c.4292T>C, p.Leu1431Pro (NM_001395687.1, NM_001395688.1, NM_001395689.1 and 2 more transcripts); c.4130T>C, p.Leu1377Pro (NM_001395691.1); c.3014T>C, p.Leu1005Pro (NM_001395697.1); short protein forms L1005P, L1377P, L1431P, L1472P, L1566P.
Identifiers: ClinVar variation 1722521 (VCV001722521.4), dbSNP rs2542489464, ClinGen allele CA390867498.
Genomic context (GRCh38, chr14:95,096,223, plus strand): 5'-AGTGAACAGAGGAAAAGCTGAGCAGCCCTCTCCCCACAGCTGGTTAAATAGCAGCCCAGC[A>G]GGGCTTCCACACAGTCCGCTATGCTTTTGTCAGCAATACACTGCTCAGTGTGCAAGTCGT-3'
Protein context (NP_803187.1, residues 1556-1576): DKSIADCVEA[Leu1566Pro]LGCYLTSCGE

ClinVar aggregate classification (germline): Uncertain significance. Review status: reviewed by expert panel (3 of 4 stars). 2 submissions from 2 submitters: Uncertain significance (1). 1 of the submissions does not count toward it. Last evaluated 2025-01-07.

Conditions:
DICER1-related tumor predisposition. Also called: DICER1 syndrome; DICER1-related pleuropulmonary blastoma cancer predisposition syndrome. Identifiers: Orphanet 284343, MedGen C3839822, MONDO:0100216.
Hereditary cancer-predisposing syndrome. Also called: Hereditary Cancer Syndrome; Hereditary neoplastic syndrome; Neoplastic Syndromes, Hereditary; Tumor predisposition. Identifiers: Orphanet 140162, MedGen C0027672, MeSH D009386, MONDO:0015356.

Submissions (2):

ClinGen DICER1 and miRNA-Processing Gene Variant Curation Expert Panel, ClinGen
Classification: Uncertain significance for DICER1-related tumor predisposition. Last evaluated: 2025-01-07. Review status: reviewed by expert panel. Criteria: ClinGen DICER1 ACMG Specifications DICER1 V1.3.0. Collection method: curation. Allele origin: germline. Inheritance: Autosomal dominant inheritance.
Comment: The NM_177438.2:c.4697T>C variant in DICER1 is a missense variant predicted to cause substitution of leucine by proline at amino acid 1566 (p.Leu1566Pro). This variant received a total of 1 phenotype point in 1 proband, meeting DICER1 VCEP phenotype specificity scoring criteria of 1-1.5 points (PS4_Supporting; Internal contributor). At least one patient with this variant was found to have a somatic second hit in a recognized DICER1 hotspot codon on tumor sequencing, which is highly specific for DICER1 syndrome (PP4, Internal contributor). This variant is absent from gnomAD v4.1.0 (PM2_Supporting). In silico tools predict damaging impact of the variant on protein function (REVEL: 0.915) (PP3). In summary, this variant meets the criteria to be classified as Uncertain Significance for DICER1-related tumor predisposition based on the ACMG/AMP criteria applied, as specified by the ClinGen DICER1 VCEP: PS4_Supporting, PP4, PM2_Supporting, PP3. (Bayesian Points: 4; VCEP specifications version 1.3.0; 01/07/2025)

Ambry Genetics
Classification: Uncertain significance for Hereditary cancer-predisposing syndrome. Last evaluated: 2021-10-04. Review status: criteria provided, single submitter. Criteria: Ambry Variant Classification Scheme 2023. Collection method: clinical testing. Allele origin: germline. Not counted in ClinVar's aggregate classification.